The following is an entry in ClinVar:

NM_031475.3(ESPN):c.1403A>G (p.Asp468Gly)

Gene: ESPN (espin; plus strand). Cytogenetic location: 1p36.31.
Variant type: single nucleotide variant.
Coding change: c.1403A>G on transcript NM_031475.3 (MANE Select); coding-DNA position 1403, A replaced by G.
Protein change: p.Asp468Gly; replaces aspartic acid 468 with glycine.
Molecular consequence: missense variant.
Genome position (GRCh38, 1-based): chr1:6,445,874, A>G. VCF-style: chr1-6445874-A-G. GRCh37 (hg19) VCF-style: chr1-6505934-A-G.
Other names: c.1403A>G, p.Asp468Gly (NM_001367473.1, NM_001367474.1); short protein forms D468G.
Identifiers: ClinVar variation 1206660 (VCV001206660.24), dbSNP rs145306517, ClinGen allele CA560215.
Genomic context (GRCh38, chr1:6,445,874, plus strand): 5'-TGCCCCCACCCCCACCTGGCTACCCAGCTCCCAAGCCTCCTGTAGGACCACAGGCAGCTG[A>G]CATCTACATGCAGACCAAGAACAAACTCCGCCACGTGGAGACAGAGGCCCTCAAGAAGGA-3'
Protein context (NP_113663.2, residues 458-478): PKPPVGPQAA[Asp468Gly]IYMQTKNKLR

ClinVar aggregate classification (germline): Conflicting classifications of pathogenicity. Review status: criteria provided, conflicting classifications (1 of 4 stars). 5 submissions from 5 submitters: Uncertain significance (1); Likely benign (3). 1 of the submissions does not count toward it. Last evaluated 2024-12-01.

Conditions:
ESPN-related disorder. Also called: ESPN-related condition.

Allele frequency attached by ClinVar (database versions not stated): gnomAD 0.00016 and 0.00020; TOPMed 0.00026; ExAC 0.00039; gnomAD exomes 0.00044 and 0.00045.
gnomAD v4.1: 658 of 1,611,386 alleles (0.041%); highest among the groups gnomAD compares: South Asian, 0.11%; 1 homozygote.

Submissions (5):

CeGaT Center for Human Genetics Tuebingen
Classification: Likely benign. Last evaluated: 2024-12-01. Review status: criteria provided, single submitter. Criteria: CeGaT Center For Human Genetics Tuebingen Variant Classification Criteria Version 2. Collection method: clinical testing. Allele origin: germline. Affected: yes. Observed: 1 variant allele.
Comment: ESPN: BP4, BS1:Supporting

Blueprint Genetics
Classification: Likely benign. Last evaluated: 2024-10-10. Review status: criteria provided, single submitter. Criteria: ACMG Guidelines, 2015. Collection method: clinical testing. Allele origin: germline.

Labcorp Genetics (formerly Invitae), Labcorp
Classification: Uncertain significance. Last evaluated: 2024-05-15. Review status: criteria provided, single submitter. Criteria: Invitae Variant Classification Sherloc (09022015). Collection method: clinical testing. Allele origin: germline.
Comment: This sequence change replaces aspartic acid, which is acidic and polar, with glycine, which is neutral and non-polar, at codon 468 of the ESPN protein (p.Asp468Gly). The frequency data for this variant in the population databases is considered unreliable, as metrics indicate poor data quality at this position in the gnomAD database. This variant has not been reported in the literature in individuals affected with ESPN-related conditions. ClinVar contains an entry for this variant (Variation ID: 1206660). An algorithm developed to predict the effect of missense changes on protein structure and function (PolyPhen-2) suggests that this variant¬†is likely to be tolerated. In summary, the available evidence is currently insufficient to determine the role of this variant in disease. Therefore, it has been classified as a Variant of Uncertain Significance.

GeneDx
Classification: Likely benign. Last evaluated: 2020-01-02. Review status: criteria provided, single submitter. Criteria: GeneDx Variant Classification Process June 2021. Collection method: clinical testing. Allele origin: germline. Affected: yes.

PreventionGenetics, part of Exact Sciences
Classification: Likely benign for ESPN-related condition. Last evaluated: 2024-06-20. Review status: no assertion criteria provided. Collection method: clinical testing. Allele origin: germline. Not counted in ClinVar's aggregate classification.
Comment: This variant is classified as likely benign based on ACMG/AMP sequence variant interpretation guidelines (Richards et al. 2015 PMID: 25741868, with internal and published modifications).